The following is an entry in ClinVar:

NM_001363711.2(DUOX2):c.1040G>A (p.Arg347Lys)

Gene: DUOX2 (dual oxidase 2; minus strand). Cytogenetic location: 15q21.1.
Variant type: single nucleotide variant.
Coding change: c.1040G>A on transcript NM_001363711.2 (MANE Select); coding-DNA position 1040, G replaced by A.
Protein change: p.Arg347Lys; replaces arginine 347 with lysine.
Molecular consequence: missense variant.
Genome position (GRCh38, 1-based): chr15:45,110,428, C>T on the plus strand (G>A on the coding strand, the complement: DUOX2 is on the minus strand). VCF-style: chr15-45110428-C-T. GRCh37 (hg19) VCF-style: chr15-45402626-C-T.
Other names: c.1040G>A, p.Arg347Lys (NM_014080.5); short protein forms R347K.
Identifiers: ClinVar variation 3721716 (VCV003721716.2).

ClinVar aggregate classification (germline): Uncertain significance (1 of 4 stars; one submission).

Submission:

Labcorp Genetics (formerly Invitae), Labcorp
Classification: Uncertain significance. Last evaluated: 2025-12-10. Review status: criteria provided, single submitter. Criteria: Invitae Variant Classification Sherloc (09022015). Collection method: clinical testing. Allele origin: germline.
Comment: This sequence change affects codon 347 of the DUOX2 mRNA. It is a 'silent' change, meaning that it does not change the encoded amino acid sequence of the DUOX2 protein. This variant also falls at the last nucleotide of exon 9, which is part of the consensus splice site for this exon. This variant is present in population databases (rs370752559, gnomAD 0.004%). This variant has been observed in individual(s) with congenital hypothyroidism (PMID: 28444304, 30240412). ClinVar contains an entry for this variant (Variation ID: 3721716). An algorithm developed to predict the effect of missense changes on protein structure and function (PolyPhen-2) suggests that this variant is likely to be disruptive. Variants that disrupt the consensus splice site are a relatively common cause of aberrant splicing (PMID: 17576681, 9536098). Algorithms developed to predict the effect of sequence changes on RNA splicing suggest that this variant may disrupt the consensus splice site. In summary, the available evidence is currently insufficient to determine the role of this variant in disease. Therefore, it has been classified as a Variant of Uncertain Significance.

Literature cited by the submitters: PubMed 28444304; PubMed 30240412; PubMed 17576681; PubMed 9536098.